The following is an entry in ClinVar:

NM_004946.3(DOCK2):c.2750G>A (p.Arg917Gln)

Gene: DOCK2 (dedicator of cytokinesis 2; plus strand). Cytogenetic location: 5q35.1.
Variant type: single nucleotide variant.
Coding change: c.2750G>A on transcript NM_004946.3 (MANE Select); coding-DNA position 2750, G replaced by A.
Protein change: p.Arg917Gln; replaces arginine 917 with glutamine.
Molecular consequence: missense variant. On other transcripts: non-coding transcript variant (1).
Genome position (GRCh38, 1-based): chr5:169,840,803, G>A. VCF-style: chr5-169840803-G-A. GRCh37 (hg19) VCF-style: chr5-169267807-G-A.
Other names: c.2750G>A (NM_004946.2); short protein forms R917Q.
Identifiers: ClinVar variation 1384916 (VCV001384916.7), dbSNP rs765098414, ClinGen allele CA3553837.

ClinVar aggregate classification (germline): Uncertain significance. Review status: criteria provided, multiple submitters, no conflicts (2 of 4 stars). 2 submissions from 2 submitters: Uncertain significance (2). Last evaluated 2025-06-07.

Conditions:
Inborn genetic diseases. Identifiers: MedGen C0950123, MeSH D030342.
DOCK2 deficiency. Also called: Immunodeficiency 40. Identifiers: Orphanet 447737, MedGen C4225328, MONDO:0014637, OMIM 616433.

Allele frequency attached by ClinVar (database versions not stated): TOPMed below 0.00001; ExAC 0.00001; gnomAD 0.00001; gnomAD exomes 0.00001.
gnomAD v4.1: 13 of 1,613,738 alleles (0.00081%); highest among the groups gnomAD compares: Admixed American, 0.0017%; no homozygotes.

Submissions (2):

Ambry Genetics
Classification: Uncertain significance for Inborn genetic diseases. Last evaluated: 2025-06-07. Review status: criteria provided, single submitter. Criteria: Ambry Variant Classification Scheme 2023. Collection method: clinical testing. Allele origin: germline.

Labcorp Genetics (formerly Invitae), Labcorp
Classification: Uncertain significance for DOCK2 deficiency. Last evaluated: 2023-07-13. Review status: criteria provided, single submitter. Criteria: Invitae Variant Classification Sherloc (09022015). Collection method: clinical testing. Allele origin: germline.
Comment: This sequence change replaces arginine, which is basic and polar, with glutamine, which is neutral and polar, at codon 917 of the DOCK2 protein (p.Arg917Gln). This variant is present in population databases (rs765098414, gnomAD 0.007%). This variant has not been reported in the literature in individuals affected with DOCK2-related conditions. ClinVar contains an entry for this variant (Variation ID: 1384916). An algorithm developed to predict the effect of missense changes on protein structure and function (PolyPhen-2) suggests that this variant is likely to be disruptive. In summary, the available evidence is currently insufficient to determine the role of this variant in disease. Therefore, it has been classified as a Variant of Uncertain Significance.